The following is an entry in ClinVar:

NM_006892.4(DNMT3B):c.2198G>A (p.Arg733Gln)

Gene: DNMT3B (DNA methyltransferase 3 beta; plus strand). Cytogenetic location: 20q11.21.
Variant type: single nucleotide variant.
Coding change: c.2198G>A on transcript NM_006892.4 (MANE Select); coding-DNA position 2198, G replaced by A.
Protein change: p.Arg733Gln; replaces arginine 733 with glutamine.
Molecular consequence: missense variant.
Genome position (GRCh38, 1-based): chr20:32,802,437, G>A. VCF-style: chr20-32802437-G-A. GRCh37 (hg19) VCF-style: chr20-31390243-G-A.
Other names: c.2012G>A, p.Arg671Gln (NM_001207055.2); c.1910G>A, p.Arg637Gln (NM_001207056.2); c.2138G>A, p.Arg713Gln (NM_175848.2, NM_175849.2); c.2174G>A, p.Arg725Gln (NM_175850.3); short protein forms R733Q, R671Q, R713Q, R725Q, R637Q.
Identifiers: ClinVar variation 431923 (VCV000431923.11), dbSNP rs747182299, ClinGen allele CA9810842.

ClinVar aggregate classification (germline): Conflicting classifications of pathogenicity. Review status: criteria provided, conflicting classifications (1 of 4 stars). 2 submissions from 2 submitters: Likely pathogenic (1); Uncertain significance (1). Last evaluated 2024-09-05.

Conditions:
Centromeric instability of chromosomes 1,9 and 16 and immunodeficiency (ICF1). Also called: Immunodeficiency-centromeric instability-facial anomalies; CENTROMERIC INSTABILITY, IMMUNODEFICIENCY SYNDROME; IMMUNE DEFICIENCY, VARIABLE, WITH CENTROMERIC INSTABILITY OF CHROMOSOMES 1, 9, AND 16; IMMUNODEFICIENCY SYNDROME, VARIABLE. Identifiers: Orphanet 2268, MedGen C0398788, MONDO:0000133.

Allele frequency attached by ClinVar (database versions not stated): gnomAD exomes below 0.00001; ExAC 0.00001; gnomAD 0.00003; TOPMed 0.00003.
gnomAD v4.1: 8 of 1,614,066 alleles (0.0005%); highest among the groups gnomAD compares: African/African-American, 0.0067%; no homozygotes.

Submissions (2):

Labcorp Genetics (formerly Invitae), Labcorp
Classification: Uncertain significance for Centromeric instability of chromosomes 1,9 and 16 and immunodeficiency. Last evaluated: 2024-09-05. Review status: criteria provided, single submitter. Criteria: Invitae Variant Classification Sherloc (09022015). Collection method: clinical testing. Allele origin: germline.
Comment: This sequence change replaces arginine, which is basic and polar, with glutamine, which is neutral and polar, at codon 733 of the DNMT3B protein (p.Arg733Gln). This variant is present in population databases (rs747182299, gnomAD 0.008%). This missense change has been observed in individual(s) with clinical features of DNMT3B-related conditions (PMID: 32888943; internal data). In at least one individual the data is consistent with being in trans (on the opposite chromosome) from a pathogenic variant. This variant is also known as p.Arg713Gln. ClinVar contains an entry for this variant (Variation ID: 431923). Invitae Evidence Modeling of protein sequence and biophysical properties (such as structural, functional, and spatial information, amino acid conservation, physicochemical variation, residue mobility, and thermodynamic stability) indicates that this missense variant is expected to disrupt DNMT3B protein function with a positive predictive value of 80%. In summary, the available evidence is currently insufficient to determine the role of this variant in disease. Therefore, it has been classified as a Variant of Uncertain Significance.

GeneDx
Classification: Likely pathogenic. Last evaluated: 2015-10-17. Review status: criteria provided, single submitter. Criteria: GeneDx Variant Classification (06012015). Collection method: clinical testing. Allele origin: germline. Affected: yes.
Comment: The R733Q variant in the DNMT3B gene has not been published as a pathogenic variant, nor has it been reported as a benign polymorphism to our knowledge. The R733Q variant was not observed in approximately 6,500 individuals of European and African American ancestry in the NHLBI Exome Sequencing Project, indicating it is not a common benign variant in these populations. The R733Q variant is a semi-conservative amino acid substitution, which may impact secondary protein structure as these residues differ in some properties. This substitution occurs at a position that is conserved across species. In silico analysis predicts this variant is probably damaging to the protein structure/function. The R733Q variant is a strong candidate for a pathogenic variant, however the possibility it may be a rare benign variant cannot be excluded.

Literature cited by the submitters: PubMed 32888943 (cited by Labcorp Genetics (formerly Invitae), Labcorp).